The following is an entry in ClinVar:

ClinVar aggregate classification (germline): Pathogenic. Review status: criteria provided, multiple submitters, no conflicts (2 of 4 stars). 5 submissions from 5 submitters: Pathogenic (5). Last evaluated 2026-02-02.

Conditions:
CEP290-related ciliopathy. Also called: CEP290 ciliopathy. Identifiers: MedGen CN305601, MONDO:0100451.
Meckel-Gruber syndrome. Also called: DYSENCEPHALIA SPLANCHNOCYSTICA; GRUBER SYNDROME; Dysencephalia splachnocystica. Identifiers: Orphanet 564, MedGen C0265215, MONDO:0018921.
Joubert syndrome. Also called: JOUBERT-BOLTSHAUSER SYNDROME; Familial aplasia of the vermis. Identifiers: Orphanet 475, MedGen C5979921, MONDO:0018772.
Nephronophthisis. Also called: Juvenile Nephronophthisis. Identifiers: Orphanet 655, MedGen C0687120, MONDO:0019005, HP:0000090.
Bardet-Biedl syndrome 14 (BBS14). Identifiers: Orphanet 110, MedGen C2673874, MONDO:0014442, OMIM 615991.
Leber congenital amaurosis 10 (LCA10). Identifiers: Orphanet 65, MedGen C1857821, MONDO:0012723, OMIM 611755.
Senior-Loken syndrome 6 (SLSN6). Identifiers: Orphanet 3156, MedGen C1857779, MONDO:0012433, OMIM 610189.
Meckel syndrome, type 4 (MKS4). Also called: MECKEL-GRUBER SYNDROME, TYPE 4. Identifiers: Orphanet 564, MedGen C1970161, MONDO:0012626, OMIM 611134.
Joubert syndrome 5 (JBTS5). Identifiers: Orphanet 2318, MedGen C1857780, MONDO:0012432, OMIM 610188.

Allele frequency attached by ClinVar (database versions not stated): gnomAD exomes below 0.00001; TOPMed 0.00001.
gnomAD v4.1: 1 of 1,165,030 alleles (0.000086%); highest among the groups gnomAD compares: Non-Finnish European, 0.00011%; no homozygotes.

Submissions (5):

Labcorp Genetics (formerly Invitae), Labcorp
Classification: Pathogenic for Joubert syndrome; Meckel-Gruber syndrome; Nephronophthisis. Last evaluated: 2026-02-02. Review status: criteria provided, single submitter. Criteria: Invitae Variant Classification Sherloc (09022015). Collection method: clinical testing. Allele origin: germline.
Comment: This sequence change creates a premature translational stop signal (p.Trp1347*) in the CEP290 gene. It is expected to result in an absent or disrupted protein product. Loss-of-function variants in CEP290 are known to be pathogenic (PMID: 16909394, 17345604, 20690115). This variant is not present in population databases (gnomAD no frequency). This premature translational stop signal has been observed in individual(s) with retinitis pigmentosa (PMID: 25377065). ClinVar contains an entry for this variant (Variation ID: 662882). For these reasons, this variant has been classified as Pathogenic.

Myriad Genetics, Inc.
Classification: Pathogenic for CEP290-related ciliopathy. Last evaluated: 2024-04-19. Review status: criteria provided, single submitter. Criteria: Myriad Autosomal Dominant, Autosomal Recessive and X-Linked Classification Criteria (2023). Collection method: clinical testing. Allele origin: unknown.
Comment: NM_025114.3(CEP290):c.4040G>A(W1347*) is expected to be pathogenic in the context of CEP290-related disorders. This variant is predicted to lead to an abnormal or absent protein product due to the creation of a premature termination codon in CEP290, a gene where loss-of-function variants are known to be pathogenic. Please note: this variant was assessed in the context of healthy population screening.

Fulgent Genetics
Classification: Pathogenic for Joubert syndrome 5; Senior-Loken syndrome 6; Meckel syndrome, type 4; Leber congenital amaurosis 10; Bardet-Biedl syndrome 14. Last evaluated: 2024-03-14. Review status: criteria provided, single submitter. Criteria: ACMG Guidelines, 2015. Collection method: clinical testing. Allele origin: germline.

Baylor Genetics
Classification: Pathogenic for Bardet-Biedl syndrome 14. Last evaluated: 2023-07-30. Review status: criteria provided, single submitter. Criteria: ACMG Guidelines, 2015. Collection method: clinical testing. Allele origin: unknown.

Juno Genomics, Hangzhou Juno Genomics, Inc
Classification: Pathogenic for Bardet-Biedl syndrome 14; Joubert syndrome 5; Leber congenital amaurosis 10; Meckel syndrome, type 4; Senior-Loken syndrome 6. Review status: criteria provided, single submitter. Criteria: ACMG Guidelines, 2015. Collection method: clinical testing. Allele origin: germline. Affected: yes.
Comment: Absent from controls (or at extremely low frequency if recessive) in Genome Aggregation Database, Exome Sequencing Project, 1000 Genomes Project, or Exome Aggregation Consortium.;Null variant in a gene where loss of function (LOF) is a known mechanism of disease.;For recessive disorders, detected in trans with a pathogenic variant.

Literature cited by the submitters: PubMed 16909394 (cited by Labcorp Genetics (formerly Invitae), Labcorp); PubMed 17345604 (cited by Labcorp Genetics (formerly Invitae), Labcorp); PubMed 20690115 (cited by Labcorp Genetics (formerly Invitae), Labcorp); PubMed 25377065 (cited by Labcorp Genetics (formerly Invitae), Labcorp).

NM_025114.4(CEP290):c.4040G>A (p.Trp1347Ter)

Gene: CEP290 (centrosomal protein 290; minus strand). Cytogenetic location: 12q21.32.
Variant type: single nucleotide variant.
Coding change: c.4040G>A on transcript NM_025114.4 (MANE Select); coding-DNA position 4040, G replaced by A.
Protein change: p.Trp1347Ter; replaces tryptophan 1347 with a stop codon.
Molecular consequence: nonsense.
Genome position (GRCh38, 1-based): chr12:88,087,934, C>T on the plus strand (G>A on the coding strand, the complement: CEP290 is on the minus strand). VCF-style: chr12-88087934-C-T. GRCh37 (hg19) VCF-style: chr12-88481711-C-T.
Other names: short protein forms W1347*.
Identifiers: ClinVar variation 662882 (VCV000662882.11), dbSNP rs1339975972, ClinGen allele CA385999345.